The following is an entry in ClinVar:

ClinVar aggregate classification (germline): Uncertain significance (1 of 4 stars; one submission).

Conditions:
Inborn genetic diseases. Identifiers: MedGen C0950123, MeSH D030342.

Submission:

Ambry Genetics
Classification: Uncertain significance for Inborn genetic diseases. Last evaluated: 2022-04-29. Review status: criteria provided, single submitter. Criteria: Ambry Variant Classification Scheme 2023. Collection method: clinical testing. Allele origin: germline.
Comment: The p.F996L variant (also known as c.2988C>G), located in coding exon 23 of the BUB1B gene, results from a C to G substitution at nucleotide position 2988. The phenylalanine at codon 996 is replaced by leucine, an amino acid with highly similar properties. This amino acid position is conserved. In addition, this alteration is predicted to be tolerated by in silico analysis. Since supporting evidence is limited at this time, the clinical significance of this alteration remains unclear.

NM_001211.6(BUB1B):c.2988C>G (p.Phe996Leu)

Genes: BUB1B (BUB1 mitotic checkpoint serine/threonine kinase B; plus strand), BUB1B-PAK6 (BUB1B-PAK6 readthrough; plus strand). Cytogenetic location: 15q15.1.
Variant type: single nucleotide variant.
Coding change: c.2988C>G on transcript NM_001211.6 (MANE Select); coding-DNA position 2988, C replaced by G.
Protein change: p.Phe996Leu; replaces phenylalanine 996 with leucine.
Molecular consequence: missense variant. On other transcripts: intron variant (2).
Genome position (GRCh38, 1-based): chr15:40,220,594, C>G. VCF-style: chr15-40220594-C-G. GRCh37 (hg19) VCF-style: chr15-40512795-C-G.
Other names: c.-201+2927C>G (NM_001128628.3); c.-118+2927C>G (NM_001128629.3); short protein forms F996L.
Identifiers: ClinVar variation 1798467 (VCV001798467.2), dbSNP rs1465582551, ClinGen allele CA391689421.
Genomic context (GRCh38, chr15:40,220,594, plus strand): 5'-CTTGATGGAAATGGTTTTATATATTTTTAGGCTAAAAGATGGTGAATTGTGGAATAAATT[C>G]TTTGTGCGGATTCTGAATGCCAATGATGAGGCCACAGTGTCTGTTCTTGGGGAGCTTGCA-3'
Protein context (NP_001202.5, residues 986-1006): ELKDGELWNK[Phe996Leu]FVRILNANDE